The following is an entry in ClinVar:

NM_001347721.2(DYRK1A):c.207+273_207+277del

Gene: DYRK1A (dual specificity tyrosine phosphorylation regulated kinase 1A; plus strand). Cytogenetic location: 21q22.13.
Variant type: Deletion.
Coding change: c.207+273_207+277del on transcript NM_001347721.2 (MANE Select); bases 273 to 277 of the intron after coding-DNA position 207, 5 bases deleted (GAAGA; older notation c.207+273_207+277delGAAGA).
Molecular consequence: intron variant.
Genome position (GRCh38, 1-based): chr21:37,473,153-37,473,157, GAAGA deleted. VCF-style (leftmost placement, unchanged base first): chr21-37473152-TGAAGA-T. GRCh37 (hg19) VCF-style: chr21-38845454-TGAAGA-T.
Other names: c.207+273_207+277del (NM_001396.5, NM_001347722.2, NM_101395.2 and 2 more transcripts); c.120+273_120+277del (NM_001347723.2).
Identifiers: ClinVar variation 671814 (VCV000671814.1), dbSNP rs565548361, ClinGen allele CA320472243.
Genomic context (GRCh38, chr21:37,473,152, plus strand): 5'-CAGTCTCTCATTCTGTAATAGAAAGGGGAAAAGTTATTTCTGAAGAATATTAAAGGATCT[TGAAGA>T]AAAAGCTTATTTTTATGGAAAGGTGGCTAAGTTAAAACCGTTACAGGAAAGCAAGTCAGA-3'

ClinVar aggregate classification (germline): Likely benign (1 of 4 stars; one submission).

Allele frequency attached by ClinVar (database versions not stated): 1000 Genomes Project 0.00859; gnomAD 0.01019 and 0.01107; TOPMed 0.01183.

Submission:

GeneDx
Classification: Likely benign. Last evaluated: 2018-06-19. Review status: criteria provided, single submitter. Criteria: GeneDx Variant Classification (06012015). Collection method: clinical testing. Allele origin: germline. Affected: yes.
Comment: This variant is considered likely benign or benign based on one or more of the following criteria: it is a conservative change, it occurs at a poorly conserved position in the protein, it is predicted to be benign by multiple in silico algorithms, and/or has population frequency not consistent with disease.